The following is an entry in ClinVar:

NM_005120.3(MED12):c.3430G>A (p.Glu1144Lys)

Gene: MED12 (mediator complex subunit 12; plus strand). Cytogenetic location: Xq13.1.
Variant type: single nucleotide variant.
Coding change: c.3430G>A on transcript NM_005120.3 (MANE Select); coding-DNA position 3430, G replaced by A.
Protein change: p.Glu1144Lys; replaces glutamic acid 1144 with lysine.
Molecular consequence: missense variant.
Genome position (GRCh38, 1-based): chrX:71,128,673, G>A. VCF-style: chrX-71128673-G-A. GRCh37 (hg19) VCF-style: chrX-70348523-G-A.
Other names: short protein forms E1144K.
Identifiers: ClinVar variation 1717798 (VCV001717798.6), dbSNP rs2147803693, ClinGen allele CA413519300.
Genomic context (GRCh38, chrX:71,128,673, plus strand): 5'-TTTCATGACTCGCTGGCTACTTTTGTTGCCATCCTCATCGCTCGGCAGTGTTTGCTCCTG[G>A]AAGATCTGATTCGCTGTGCTGCCATCCCTTCACTCCTTAATGCTGGTGAACTACCAATCT-3'
Protein context (NP_005111.2, residues 1134-1154): ILIARQCLLL[Glu1144Lys]DLIRCAAIPS

ClinVar aggregate classification (germline): Uncertain significance (1 of 4 stars; one submission).

Conditions:
FG syndrome (FGS). Identifiers: MedGen C0220769, MONDO:0002010.

Submission:

Labcorp Genetics (formerly Invitae), Labcorp
Classification: Uncertain significance for FG syndrome. Last evaluated: 2022-09-05. Review status: criteria provided, single submitter. Criteria: Invitae Variant Classification Sherloc (09022015). Collection method: clinical testing. Allele origin: germline.
Comment: In summary, the available evidence is currently insufficient to determine the role of this variant in disease. Therefore, it has been classified as a Variant of Uncertain Significance. Algorithms developed to predict the effect of missense changes on protein structure and function (SIFT, PolyPhen-2, Align-GVGD) all suggest that this variant is likely to be disruptive. This variant has not been reported in the literature in individuals affected with MED12-related conditions. This variant is not present in population databases (gnomAD no frequency). This sequence change replaces glutamic acid, which is acidic and polar, with lysine, which is basic and polar, at codon 1144 of the MED12 protein (p.Glu1144Lys).